The following is an entry in ClinVar:

ClinVar aggregate classification (germline): Uncertain significance (1 of 4 stars; one submission).

Conditions:
Neurofibromatosis, type 1 (NF1). Also called: VON RECKLINGHAUSEN DISEASE; Neurofibromatosis, type I; Peripheral type neurofibromatosis; NEUROFIBROMATOSIS, TYPE I, SOMATIC. Identifiers: Orphanet 636, MedGen C0027831, MONDO:0018975, OMIM 162200. Disease mechanism: loss of function.

gnomAD v4.1: 1 of 1,613,998 alleles (0.000062%); highest among the groups gnomAD compares: Non-Finnish European, 0.000085%; no homozygotes.

Submission:

Labcorp Genetics (formerly Invitae), Labcorp
Classification: Uncertain significance for Neurofibromatosis, type 1. Last evaluated: 2021-04-12. Review status: criteria provided, single submitter. Criteria: Invitae Variant Classification Sherloc (09022015). Collection method: clinical testing. Allele origin: germline.
Comment: In summary, the available evidence is currently insufficient to determine the role of this variant in disease. Therefore, it has been classified as a Variant of Uncertain Significance. Advanced modeling of protein sequence and biophysical properties (such as structural, functional, and spatial information, amino acid conservation, physicochemical variation, residue mobility, and thermodynamic stability) performed at Invitae indicates that this missense variant is not expected to disrupt NF1 protein function. This variant has not been reported in the literature in individuals with NF1-related conditions. This variant is not present in population databases (ExAC no frequency). This sequence change replaces isoleucine with valine at codon 1393 of the NF1 protein (p.Ile1393Val). The isoleucine residue is moderately conserved and there is a small physicochemical difference between isoleucine and valine.

NM_001042492.3(NF1):c.4240A>G (p.Ile1414Val)

Gene: NF1 (neurofibromin 1; plus strand). Cytogenetic location: 17q11.2.
Variant type: single nucleotide variant.
Coding change: c.4240A>G on transcript NM_001042492.3 (MANE Select); coding-DNA position 4240, A replaced by G.
Protein change: p.Ile1414Val; replaces isoleucine 1414 with valine.
Molecular consequence: missense variant.
Genome position (GRCh38, 1-based): chr17:31,258,410, A>G. VCF-style: chr17-31258410-A-G. GRCh37 (hg19) VCF-style: chr17-29585428-A-G.
Other names: c.4177A>G, p.Ile1393Val (NM_000267.4); short protein forms I1393V, I1414V.
Identifiers: ClinVar variation 1525788 (VCV001525788.8), dbSNP rs2151461966, ClinGen allele CA398997859.